The following is an entry in ClinVar:

NM_003482.4(KMT2D):c.10812_10832del (p.Gln3606_Gln3612del)

Gene: KMT2D (lysine methyltransferase 2D; minus strand). Cytogenetic location: 12q13.12.
Variant type: Deletion.
Coding change: c.10812_10832del on transcript NM_003482.4 (MANE Select); coding-DNA positions 10812 to 10832, 21 bases deleted (GCAGCAGCAGCAACAACAGCA).
Protein change: p.Gln3606_Gln3612del.
Molecular consequence: inframe deletion.
Genome position (GRCh38, 1-based): chr12:49,033,873-49,033,893, TGCTGTTGTTGCTGCTGCTGC deleted on the plus strand (GCAGCAGCAGCAACAACAGCA on the coding strand, the reverse complement: KMT2D is on the minus strand); deleting any 21 consecutive bases within chr12:49,033,873-49,033,912 gives the same sequence; the c. name uses the placement nearest the transcript's 3' end. VCF-style (leftmost placement, unchanged base first): chr12-49033872-TTGCTGTTGTTGCTGCTGCTGC-T. GRCh37 (hg19) VCF-style: chr12-49427655-TTGCTGTTGTTGCTGCTGCTGC-T.
Identifiers: ClinVar variation 1023412 (VCV001023412.6), dbSNP rs772217807, ClinGen allele CA6546420.

ClinVar aggregate classification (germline): Uncertain significance (1 of 4 stars; one submission).

Conditions:
Kabuki syndrome. Also called: NIIKAWA-KUROKI SYNDROME; Kabuki make-up syndrome. Identifiers: Orphanet 2322, MedGen C0796004, MONDO:0016512.

Submission:

Labcorp Genetics (formerly Invitae), Labcorp
Classification: Uncertain significance for Kabuki syndrome. Last evaluated: 2025-10-06. Review status: criteria provided, single submitter. Criteria: Invitae Variant Classification Sherloc (09022015). Collection method: clinical testing. Allele origin: germline.
Comment: This variant, c.10812_10832del, results in the deletion of 7 amino acid(s) of the KMT2D protein (p.Gln3606_Gln3612del), but otherwise preserves the integrity of the reading frame. The frequency data for this variant in the population databases is considered unreliable, as metrics indicate poor data quality at this position in the gnomAD database. This variant has not been reported in the literature in individuals affected with KMT2D-related conditions. ClinVar contains an entry for this variant (Variation ID: 1023412). Experimental studies and prediction algorithms are not available or were not evaluated, and the functional significance of this variant is currently unknown. In summary, the available evidence is currently insufficient to determine the role of this variant in disease. Therefore, it has been classified as a Variant of Uncertain Significance.